The following is an entry in ClinVar:

NM_145698.5(ACBD5):c.1426T>A (p.Leu476Met)

Gene: ACBD5 (acyl-CoA binding domain containing 5; minus strand). Cytogenetic location: 10p12.1.
Variant type: single nucleotide variant.
Coding change: c.1426T>A on transcript NM_145698.5 (MANE Select); coding-DNA position 1426, T replaced by A.
Protein change: p.Leu476Met; replaces leucine 476 with methionine.
Molecular consequence: missense variant.
Genome position (GRCh38, 1-based): chr10:27,205,227, A>T on the plus strand (T>A on the coding strand, the complement: ACBD5 is on the minus strand). VCF-style: chr10-27205227-A-T. GRCh37 (hg19) VCF-style: chr10-27494156-A-T.
Other names: c.1321T>A, p.Leu441Met (NM_001042473.4, NM_001352577.2, NM_001352578.2 and 1 more transcripts); c.1420T>A, p.Leu474Met (NM_001271512.3); c.1099T>A, p.Leu367Met (NM_001301251.2, NM_001301252.2, NM_001301253.2 and 2 more transcripts); c.895T>A, p.Leu299Met (NM_001301254.2); c.1480T>A, p.Leu494Met (NM_001352568.1); c.1459T>A, p.Leu487Met (NM_001352569.1); c.1426T>A, p.Leu476Met (NM_001352570.1); c.1453T>A, p.Leu485Met (NM_001352571.1); and 10 more; short protein forms L299M, L469M, L474M, L487M, L373M, L417M, L423M, L476M.
Identifiers: ClinVar variation 1484547 (VCV001484547.3), dbSNP rs138723362, ClinGen allele CA204461514.
Genomic context (GRCh38, chr10:27,205,227, plus strand): 5'-TGGCATTTAAATTTTTTAAAAAATGTCTTACCTGTGAGGTGGGCTGAGGAGCAGTCTGCA[A>T]TGTTGATGTTGATGATTTTGCCTGTAAATGCAAATGAAGGTGACTTAGCCTTGAAAAAAT-3'
Protein context (NP_663736.2, residues 466-486): ALQAKSSTST[Leu476Met]QTAPQPTSQR

ClinVar aggregate classification (germline): Uncertain significance (1 of 4 stars; one submission).

Allele frequency attached by ClinVar (database versions not stated): gnomAD 0.00001; gnomAD exomes 0.00001 and 0.00003; TOPMed 0.00001; ESP Exome Variant Server 0.00008.
gnomAD v4.1: 37 of 1,613,192 alleles (0.0023%); highest among the groups gnomAD compares: Non-Finnish European, 0.003%; no homozygotes.

Submission:

Labcorp Genetics (formerly Invitae), Labcorp
Classification: Uncertain significance. Last evaluated: 2022-08-07. Review status: criteria provided, single submitter. Criteria: Invitae Variant Classification Sherloc (09022015). Collection method: clinical testing. Allele origin: germline.
Comment: This sequence change replaces leucine, which is neutral and non-polar, with methionine, which is neutral and non-polar, at codon 476 of the ACBD5 protein (p.Leu476Met). This variant is present in population databases (rs138723362, gnomAD 0.002%). This variant has not been reported in the literature in individuals affected with ACBD5-related conditions. ClinVar contains an entry for this variant (Variation ID: 1484547). Algorithms developed to predict the effect of missense changes on protein structure and function (SIFT, PolyPhen-2, Align-GVGD) all suggest that this variant is likely to be tolerated. In summary, the available evidence is currently insufficient to determine the role of this variant in disease. Therefore, it has been classified as a Variant of Uncertain Significance.